The following is an entry in ClinVar:

NM_003458.4(BSN):c.11191G>A (p.Gly3731Arg)

Gene: BSN (bassoon presynaptic cytomatrix protein; plus strand). Cytogenetic location: 3p21.31.
Variant type: single nucleotide variant.
Coding change: c.11191G>A on transcript NM_003458.4 (MANE Select); coding-DNA position 11191, G replaced by A.
Protein change: p.Gly3731Arg; replaces glycine 3731 with arginine.
Molecular consequence: missense variant.
Genome position (GRCh38, 1-based): chr3:49,663,349, G>A. VCF-style: chr3-49663349-G-A. GRCh37 (hg19) VCF-style: chr3-49700782-G-A.
Other names: short protein forms G3731R.
Identifiers: ClinVar variation 3900272 (VCV003900272.1).

ClinVar aggregate classification (germline): Uncertain significance (1 of 4 stars; one submission).

gnomAD v4.1: 150 of 1,613,408 alleles (0.0093%); highest among the groups gnomAD compares: Non-Finnish European, 0.012%; no homozygotes.

Submission:

GeneDx
Classification: Uncertain significance. Last evaluated: 2022-08-08. Review status: criteria provided, single submitter. Criteria: GeneDx Variant Classification Process June 2021. Collection method: clinical testing. Allele origin: germline. Affected: yes.
Comment: In silico analysis supports that this missense variant does not alter protein structure/function; Has not been previously published as pathogenic or benign to our knowledge; Variants in candidate genes are classified as variants of uncertain significance in accordance with ACMG guidelines (Richards et al., 2015)